The following is an entry in ClinVar:

NM_001145809.2(MYH14):c.967C>T (p.Leu323Phe)

Genes: MYH14 (myosin heavy chain 14; plus strand), LOC121852992 (Sharpr-MPRA regulatory region 11309; plus strand). Cytogenetic location: 19q13.33.
Variant type: single nucleotide variant.
Coding change: c.967C>T on transcript NM_001145809.2 (MANE Select); coding-DNA position 967, C replaced by T.
Protein change: p.Leu323Phe; replaces leucine 323 with phenylalanine.
Molecular consequence: missense variant.
Genome position (GRCh38, 1-based): chr19:50,230,617, C>T. VCF-style: chr19-50230617-C-T. GRCh37 (hg19) VCF-style: chr19-50733874-C-T.
Other names: c.967C>T, p.Leu323Phe (NM_001077186.2); c.943C>T, p.Leu315Phe (NM_024729.4); short protein forms L315F, L323F.
Identifiers: ClinVar variation 2975665 (VCV002975665.3), dbSNP rs750176156, ClinGen allele CA9592455.

ClinVar aggregate classification (germline): Uncertain significance (1 of 4 stars; one submission).

Allele frequency attached by ClinVar (database versions not stated): gnomAD exomes 0.00001; TOPMed 0.00002; gnomAD 0.00003; ExAC 0.00004.
gnomAD v4.1: 19 of 1,562,106 alleles (0.0012%); highest among the groups gnomAD compares: South Asian, 0.0083%; no homozygotes.

Submission:

Labcorp Genetics (formerly Invitae), Labcorp
Classification: Uncertain significance. Last evaluated: 2024-01-12. Review status: criteria provided, single submitter. Criteria: Invitae Variant Classification Sherloc (09022015). Collection method: clinical testing. Allele origin: germline.
Comment: This sequence change replaces leucine, which is neutral and non-polar, with phenylalanine, which is neutral and non-polar, at codon 315 of the MYH14 protein (p.Leu315Phe). This variant is present in population databases (rs750176156, gnomAD 0.01%). This variant has not been reported in the literature in individuals affected with MYH14-related conditions. Advanced modeling of protein sequence and biophysical properties (such as structural, functional, and spatial information, amino acid conservation, physicochemical variation, residue mobility, and thermodynamic stability) performed at Invitae indicates that this missense variant is not expected to disrupt MYH14 protein function with a negative predictive value of 80%. In summary, the available evidence is currently insufficient to determine the role of this variant in disease. Therefore, it has been classified as a Variant of Uncertain Significance.